The following is an entry in ClinVar:

NM_001005242.3(PKP2):c.686C>G (p.Thr229Ser)

Gene: PKP2 (plakophilin 2; minus strand). Cytogenetic location: 12p11.21.
Variant type: single nucleotide variant.
Coding change: c.686C>G on transcript NM_001005242.3 (MANE Select); coding-DNA position 686, C replaced by G.
Protein change: p.Thr229Ser; replaces threonine 229 with serine.
Molecular consequence: missense variant.
Genome position (GRCh38, 1-based): chr12:32,878,194, G>C on the plus strand (C>G on the coding strand, the complement: PKP2 is on the minus strand). VCF-style: chr12-32878194-G-C. GRCh37 (hg19) VCF-style: chr12-33031128-G-C.
Other names: c.686C>G, p.Thr229Ser (NM_001407155.1, NM_001407156.1, NM_001407157.1 and 2 more transcripts); c.359C>G, p.Thr120Ser (NM_001407158.1, NM_001407159.1, NM_001407160.1 and 1 more transcripts); short protein forms T120S, T229S.
Identifiers: ClinVar variation 3073206 (VCV003073206.1), dbSNP rs1956952096, ClinGen allele CA384363369.

ClinVar aggregate classification (germline): Uncertain significance (1 of 4 stars; one submission).

Conditions:
Arrhythmogenic right ventricular cardiomyopathy (ARVD). Also called: Arrhythmogenic right ventricular dysplasia; Cardiomyopathy, ARVC; Arrhythmogenic cardiomyopathy; Arrhythmogenic Right Ventricular Cardiomyopathy (ARVC). Identifiers: Orphanet 247, MedGen C0349788, MeSH D019571, MONDO:0016587. Disease mechanism: loss of function. Inheritance: Various modes of inheritance.

Allele frequency attached by ClinVar (database versions not stated): gnomAD exomes below 0.00001.
gnomAD v4.1: 1 of 1,614,240 alleles (0.000062%); no homozygotes.

Submission:

All of Us Research Program, National Institutes of Health
Classification: Uncertain significance for Arrhythmogenic right ventricular cardiomyopathy. Last evaluated: 2023-08-28. Review status: criteria provided, single submitter. Criteria: ACMG Guidelines, 2015. Collection method: clinical testing. Allele origin: germline. Inheritance: Autosomal dominant inheritance. Observed: 1 variant allele, 1 heterozygote.
Comment: This missense variant replaces threonine with serine at codon 229 of the PKP2 protein. Computational prediction suggests that this variant may not impact protein structure and function (internally defined REVEL score threshold <= 0.5, PMID: 27666373). To our knowledge, functional studies have not been reported for this variant. This variant has not been reported in individuals affected with PKP2-related disorders in the literature. This variant has not been identified in the general population by the Genome Aggregation Database (gnomAD). The available evidence is insufficient to determine the role of this variant in disease conclusively. Therefore, this variant is classified as a Variant of Uncertain Significance.

This study involves interpretation of variants in research participants for the purpose of population health screening. Participant phenotype was not available at the time of variant classification. Additional details can be found in publication PMID: 35346344, PMCID: PMC8962531